The following is an entry in ClinVar:

ClinVar aggregate classification (germline): Uncertain significance (1 of 4 stars; one submission).

Submission:

Labcorp Genetics (formerly Invitae), Labcorp
Classification: Uncertain significance. Last evaluated: 2024-02-24. Review status: criteria provided, single submitter. Criteria: Invitae Variant Classification Sherloc (09022015). Collection method: clinical testing. Allele origin: germline.
Comment: This variant, c.1486_1491del, results in the deletion of 2 amino acid(s) of the CARMIL2 protein (p.His496_Leu497del), but otherwise preserves the integrity of the reading frame. This variant is not present in population databases (gnomAD no frequency). This variant has not been reported in the literature in individuals affected with CARMIL2-related conditions. ClinVar contains an entry for this variant (Variation ID: 1489584). Experimental studies and prediction algorithms are not available or were not evaluated, and the functional significance of this variant is currently unknown. In summary, the available evidence is currently insufficient to determine the role of this variant in disease. Therefore, it has been classified as a Variant of Uncertain Significance.

NM_001013838.3(CARMIL2):c.1486_1491del (p.His496_Leu497del)

Gene: CARMIL2 (capping protein regulator and myosin 1 linker 2; plus strand). Cytogenetic location: 16q22.1.
Variant type: Deletion.
Coding change: c.1486_1491del on transcript NM_001013838.3 (MANE Select); coding-DNA positions 1486 to 1491, 6 bases deleted (CACCTG; older notation c.1486_1491delCACCTG).
Protein change: p.His496_Leu497del.
Molecular consequence: inframe deletion.
Genome position (GRCh38, 1-based): chr16:67,648,731-67,648,736, CACCTG deleted; deleting any 6 consecutive bases within chr16:67,648,726-67,648,736 gives the same sequence; the c. name uses the placement nearest the transcript's 3' end. VCF-style (leftmost placement, unchanged base first): chr16-67648725-GACCTGC-G. GRCh37 (hg19) VCF-style: chr16-67682628-GACCTGC-G.
Other names: c.1378_1383del, p.His460_Leu461del (NM_001317026.3).
Identifiers: ClinVar variation 1489584 (VCV001489584.6), dbSNP rs2142921526, ClinGen allele CA2573152560.